The following is an entry in ClinVar:

NM_015072.5(TTLL5):c.1835G>A (p.Arg612Lys)

Gene: TTLL5 (tubulin tyrosine ligase like 5; plus strand). Cytogenetic location: 14q24.3.
Variant type: single nucleotide variant.
Coding change: c.1835G>A on transcript NM_015072.5 (MANE Select); coding-DNA position 1835, G replaced by A.
Protein change: p.Arg612Lys; replaces arginine 612 with lysine.
Molecular consequence: missense variant.
Genome position (GRCh38, 1-based): chr14:75,766,188, G>A. VCF-style: chr14-75766188-G-A. GRCh37 (hg19) VCF-style: chr14-76232531-G-A.
Other names: c.1835G>A (NM_015072.4); short protein forms R612K.
Identifiers: ClinVar variation 1363814 (VCV001363814.9), dbSNP rs1890963625, ClinGen allele CA390467255.

ClinVar aggregate classification (germline): Uncertain significance. Review status: criteria provided, multiple submitters, no conflicts (2 of 4 stars). 2 submissions from 2 submitters: Uncertain significance (2). Last evaluated 2025-11-24.

Conditions:
Inborn genetic diseases. Identifiers: MedGen C0950123, MeSH D030342.

Allele frequency attached by ClinVar (database versions not stated): gnomAD 0.00001.
gnomAD v4.1: 2 of 1,613,892 alleles (0.00012%); highest among the groups gnomAD compares: Admixed American, 0.0033%; no homozygotes.

Submissions (2):

Ambry Genetics
Classification: Uncertain significance for Inborn genetic diseases. Last evaluated: 2025-11-24. Review status: criteria provided, single submitter. Criteria: Ambry Variant Classification Scheme 2023. Collection method: clinical testing. Allele origin: germline.

Labcorp Genetics (formerly Invitae), Labcorp
Classification: Uncertain significance. Last evaluated: 2022-08-16. Review status: criteria provided, single submitter. Criteria: Invitae Variant Classification Sherloc (09022015). Collection method: clinical testing. Allele origin: germline.
Comment: In summary, the available evidence is currently insufficient to determine the role of this variant in disease. Therefore, it has been classified as a Variant of Uncertain Significance. Algorithms developed to predict the effect of missense changes on protein structure and function (SIFT, PolyPhen-2, Align-GVGD) all suggest that this variant is likely to be tolerated. ClinVar contains an entry for this variant (Variation ID: 1363814). This variant has not been reported in the literature in individuals affected with TTLL5-related conditions. This variant is not present in population databases (gnomAD no frequency). This sequence change replaces arginine, which is basic and polar, with lysine, which is basic and polar, at codon 612 of the TTLL5 protein (p.Arg612Lys).